The following is an entry in ClinVar:

NM_024753.5(TTC21B):c.244A>C (p.Lys82Gln)

Gene: TTC21B (tetratricopeptide repeat domain 21B; minus strand). Cytogenetic location: 2q24.3.
Variant type: single nucleotide variant.
Coding change: c.244A>C on transcript NM_024753.5 (MANE Select); coding-DNA position 244, A replaced by C.
Protein change: p.Lys82Gln; replaces lysine 82 with glutamine.
Molecular consequence: missense variant.
Genome position (GRCh38, 1-based): chr2:165,949,412, T>G on the plus strand (A>C on the coding strand, the complement: TTC21B is on the minus strand). VCF-style: chr2-165949412-T-G. GRCh37 (hg19) VCF-style: chr2-166805922-T-G.
Other names: c.244A>C (NM_024753.4); short protein forms K82Q.
Identifiers: ClinVar variation 1425701 (VCV001425701.5), dbSNP rs774744374, ClinGen allele CA1942511.

ClinVar aggregate classification (germline): Uncertain significance. Review status: criteria provided, multiple submitters, no conflicts (2 of 4 stars). 2 submissions from 2 submitters: Uncertain significance (2). Last evaluated 2026-03-31.

Conditions:
TTC21B-related disorder. Also called: TTC21B-related disorders; TTC21B-related condition.
Nephronophthisis. Also called: Juvenile Nephronophthisis. Identifiers: Orphanet 655, MedGen C0687120, MONDO:0019005, HP:0000090.
Jeune thoracic dystrophy. Also called: Jeune syndrome; Infantile thoracic dystrophy; Thoracic pelvic phalangeal dystrophy; Jeune's syndrome; Chondroectodermal dysplasia-like syndrome; Short-rib thoracic dysplasia. Identifiers: Orphanet 474, MedGen C0265275, MONDO:0018770.

Allele frequency attached by ClinVar (database versions not stated): gnomAD exomes below 0.00001; ExAC 0.00001; TOPMed 0.00001.
gnomAD v4.1: 2 of 1,612,380 alleles (0.00012%); highest among the groups gnomAD compares: Admixed American, 0.0017%; no homozygotes.

Submissions (2):

PreventionGenetics, part of Exact Sciences
Classification: Uncertain significance for TTC21B-related condition. Last evaluated: 2026-03-31. Review status: criteria provided, single submitter. Criteria: ACMG Guidelines, 2015. Collection method: clinical testing. Allele origin: germline.
Comment: The TTC21B c.244A>C variant is predicted to result in the amino acid substitution p.Lys82Gln. To our knowledge, this variant has not been reported in the literature. This variant is reported in 0.0029% of alleles in individuals of Latino descent in gnomAD. At this time, the clinical significance of this variant is uncertain due to the absence of conclusive functional and genetic evidence.

Labcorp Genetics (formerly Invitae), Labcorp
Classification: Uncertain significance for Jeune thoracic dystrophy; Nephronophthisis. Last evaluated: 2021-09-09. Review status: criteria provided, single submitter. Criteria: Invitae Variant Classification Sherloc (09022015). Collection method: clinical testing. Allele origin: germline.
Comment: In summary, the available evidence is currently insufficient to determine the role of this variant in disease. Therefore, it has been classified as a Variant of Uncertain Significance. Algorithms developed to predict the effect of missense changes on protein structure and function are either unavailable or do not agree on the potential impact of this missense change (SIFT: "Tolerated"; PolyPhen-2: "Possibly Damaging"; Align-GVGD: "Class C0"). This variant has not been reported in the literature in individuals affected with TTC21B-related conditions. This variant is present in population databases (rs774744374, ExAC 0.009%). This sequence change replaces lysine with glutamine at codon 82 of the TTC21B protein (p.Lys82Gln). The lysine residue is highly conserved and there is a small physicochemical difference between lysine and glutamine.